The following is an entry in ClinVar:

NM_012123.4(MTO1):c.1339A>G (p.Ile447Val)

Gene: MTO1 (mitochondrial tRNA translation optimization 1; plus strand). Cytogenetic location: 6q13.
Variant type: single nucleotide variant.
Coding change: c.1339A>G on transcript NM_012123.4 (MANE Select); coding-DNA position 1339, A replaced by G.
Protein change: p.Ile447Val; replaces isoleucine 447 with valine.
Molecular consequence: missense variant.
Genome position (GRCh38, 1-based): chr6:73,482,118, A>G. VCF-style: chr6-73482118-A-G. GRCh37 (hg19) VCF-style: chr6-74191841-A-G.
Other names: c.1459A>G, p.Ile487Val (NM_001123226.2); c.1414A>G, p.Ile472Val (NM_133645.3); c.1459A>G (NM_001123226.1); short protein forms I447V, I472V, I487V.
Identifiers: ClinVar variation 577330 (VCV000577330.12), dbSNP rs747475822, ClinGen allele CA3889623.

ClinVar aggregate classification (germline): Uncertain significance. Review status: criteria provided, multiple submitters, no conflicts (2 of 4 stars). 2 submissions from 2 submitters: Uncertain significance (2). Last evaluated 2025-05-19.

Conditions:
Inborn genetic diseases. Identifiers: MedGen C0950123, MeSH D030342.
Mitochondrial hypertrophic cardiomyopathy with lactic acidosis due to MTO1 deficiency. Also called: Combined oxidative phosphorylation deficiency 10; CARDIOMYOPATHY, INFANTILE HYPERTROPHIC MITOCHONDRIAL, AND LACTIC ACIDOSIS. Identifiers: Orphanet 314637, MedGen C4749921, MONDO:0013865, OMIM 614702.

Allele frequency attached by ClinVar (database versions not stated): gnomAD exomes 0.00001 and below 0.00001; TOPMed below 0.00001; ExAC 0.00002.
gnomAD v4.1: 3 of 1,614,154 alleles (0.00019%); highest among the groups gnomAD compares: African/African-American, 0.0013%; no homozygotes.

Submissions (2):

Ambry Genetics
Classification: Uncertain significance for Inborn genetic diseases. Last evaluated: 2025-05-19. Review status: criteria provided, single submitter. Criteria: Ambry Variant Classification Scheme 2023. Collection method: clinical testing. Allele origin: germline.

Labcorp Genetics (formerly Invitae), Labcorp
Classification: Uncertain significance for Mitochondrial hypertrophic cardiomyopathy with lactic acidosis due to MTO1 deficiency. Last evaluated: 2022-05-21. Review status: criteria provided, single submitter. Criteria: Invitae Variant Classification Sherloc (09022015). Collection method: clinical testing. Allele origin: germline.
Comment: In summary, the available evidence is currently insufficient to determine the role of this variant in disease. Therefore, it has been classified as a Variant of Uncertain Significance. Algorithms developed to predict the effect of sequence changes on RNA splicing suggest that this variant may create or strengthen a splice site. Algorithms developed to predict the effect of missense changes on protein structure and function (SIFT, PolyPhen-2, Align-GVGD) all suggest that this variant is likely to be tolerated. ClinVar contains an entry for this variant (Variation ID: 577330). This variant has not been reported in the literature in individuals affected with MTO1-related conditions. This variant is present in population databases (rs747475822, gnomAD 0.007%). This sequence change replaces isoleucine, which is neutral and non-polar, with valine, which is neutral and non-polar, at codon 447 of the MTO1 protein (p.Ile447Val).